The following is an entry in ClinVar:

NM_032776.3(JMJD1C):c.4999G>T (p.Asp1667Tyr)

Gene: JMJD1C (jumonji domain containing 1C; minus strand). Cytogenetic location: 10q21.3.
Variant type: single nucleotide variant.
Coding change: c.4999G>T on transcript NM_032776.3 (MANE Select); coding-DNA position 4999, G replaced by T.
Protein change: p.Asp1667Tyr; replaces aspartic acid 1667 with tyrosine.
Molecular consequence: missense variant. On other transcripts: non-coding transcript variant (1).
Genome position (GRCh38, 1-based): chr10:63,206,670, C>A on the plus strand (G>T on the coding strand, the complement: JMJD1C is on the minus strand). VCF-style: chr10-63206670-C-A. GRCh37 (hg19) VCF-style: chr10-64966430-C-A.
Other names: c.4453G>T, p.Asp1485Tyr (NM_001282948.2, NM_001318154.2); c.4135G>T, p.Asp1379Tyr (NM_001318153.2); c.4885G>T, p.Asp1629Tyr (NM_001322252.2); c.4342G>T, p.Asp1448Tyr (NM_001322254.2, NM_001322258.2); short protein forms D1379Y, D1448Y, D1485Y, D1629Y, D1667Y.
Identifiers: ClinVar variation 1334685 (VCV001334685.10), dbSNP rs779931368, ClinGen allele CA5518177.

ClinVar aggregate classification (germline): Uncertain significance. Review status: criteria provided, single submitter (1 of 4 stars). 2 submissions from 2 submitters: Uncertain significance (1). 1 of the submissions does not count toward it. Last evaluated 2022-07-19.

Conditions:
Early Myoclonic Encephalopathy. Identifiers: MedGen C0270855.

Allele frequency attached by ClinVar (database versions not stated): gnomAD exomes below 0.00001; TOPMed below 0.00001; ExAC 0.00001.
gnomAD v4.1: 6 of 1,612,410 alleles (0.00037%); highest among the groups gnomAD compares: Non-Finnish European, 0.00051%; no homozygotes.

Submissions (2):

Labcorp Genetics (formerly Invitae), Labcorp
Classification: Uncertain significance for Early Myoclonic Encephalopathy. Last evaluated: 2022-07-19. Review status: criteria provided, single submitter. Criteria: Invitae Variant Classification Sherloc (09022015). Collection method: clinical testing. Allele origin: germline.
Comment: In summary, the available evidence is currently insufficient to determine the role of this variant in disease. Therefore, it has been classified as a Variant of Uncertain Significance. Algorithms developed to predict the effect of missense changes on protein structure and function (SIFT, PolyPhen-2, Align-GVGD) all suggest that this variant is likely to be disruptive. ClinVar contains an entry for this variant (Variation ID: 1334685). This variant has not been reported in the literature in individuals affected with JMJD1C-related conditions. This variant is present in population databases (rs779931368, gnomAD 0.0009%). This sequence change replaces aspartic acid, which is acidic and polar, with tyrosine, which is neutral and polar, at codon 1667 of the JMJD1C protein (p.Asp1667Tyr).

Greenwood Genetic Center Diagnostic Laboratories, Greenwood Genetic Center
Classification: Uncertain significance. Last evaluated: 2021-12-14. Review status: no assertion criteria provided. Collection method: clinical testing. Allele origin: germline. Affected: yes. Not counted in ClinVar's aggregate classification.
Comment: Gene of uncertain significance